The following is an entry in ClinVar:

NM_001348768.2(HECW2):c.637A>T (p.Ile213Phe)

Gene: HECW2 (HECT, C2 and WW domain containing E3 ubiquitin protein ligase 2; minus strand). Cytogenetic location: 2q32.3.
Variant type: single nucleotide variant.
Coding change: c.637A>T on transcript NM_001348768.2 (MANE Select); coding-DNA position 637, A replaced by T.
Protein change: p.Ile213Phe; replaces isoleucine 213 with phenylalanine.
Molecular consequence: missense variant. On other transcripts: intron variant (1).
Genome position (GRCh38, 1-based): chr2:196,325,084, T>A on the plus strand (A>T on the coding strand, the complement: HECW2 is on the minus strand). VCF-style: chr2-196325084-T-A. GRCh37 (hg19) VCF-style: chr2-197189808-T-A.
Other names: c.637A>T, p.Ile213Phe (NM_020760.4); c.-325-6A>T (NM_001304840.3); short protein forms I213F.
Identifiers: ClinVar variation 3764388 (VCV003764388.1).

ClinVar aggregate classification (germline): Uncertain significance (1 of 4 stars; one submission).

Submission:

GeneDx
Classification: Uncertain significance. Last evaluated: 2024-08-18. Review status: criteria provided, single submitter. Criteria: GeneDx Variant Classification Process June 2021. Collection method: clinical testing. Allele origin: germline. Affected: yes.
Comment: Not observed at significant frequency in large population cohorts (gnomAD); In silico analysis indicates that this missense variant does not alter protein structure/function; In silico analysis suggests this variant may impact gene splicing. In the absence of RNA/functional studies, the actual effect of this sequence change is unknown.; Has not been previously published as pathogenic or benign to our knowledge